The following is an entry in ClinVar:

NM_173076.3(ABCA12):c.2744C>T (p.Ser915Phe)

Gene: ABCA12 (ATP binding cassette subfamily A member 12; minus strand). Cytogenetic location: 2q35.
Variant type: single nucleotide variant.
Coding change: c.2744C>T on transcript NM_173076.3 (MANE Select); coding-DNA position 2744, C replaced by T.
Protein change: p.Ser915Phe; replaces serine 915 with phenylalanine.
Molecular consequence: missense variant. On other transcripts: non-coding transcript variant (1).
Genome position (GRCh38, 1-based): chr2:215,001,677, G>A on the plus strand (C>T on the coding strand, the complement: ABCA12 is on the minus strand). VCF-style: chr2-215001677-G-A. GRCh37 (hg19) VCF-style: chr2-215866401-G-A.
Other names: c.2744C>T (NM_173076.2); c.1790C>T, p.Ser597Phe (NM_015657.4); short protein forms S915F, S597F.
Identifiers: ClinVar variation 1424430 (VCV001424430.8), dbSNP rs139223000, ClinGen allele CA2091880.

ClinVar aggregate classification (germline): Conflicting classifications of pathogenicity. Review status: criteria provided, conflicting classifications (1 of 4 stars). 2 submissions from 2 submitters: Uncertain significance (1); Likely benign (1). Last evaluated 2024-03-25.

Allele frequency attached by ClinVar (database versions not stated): gnomAD exomes 0.00003 and 0.00004; ExAC 0.00004; gnomAD 0.00011; TOPMed 0.00019; 1000 Genomes Project 0.00020; ESP Exome Variant Server 0.00023; 1000 Genomes Project 30x 0.00031.
gnomAD v4.1: 66 of 1,613,742 alleles (0.0041%); highest among the groups gnomAD compares: African/African-American, 0.048%; no homozygotes.

Submissions (2):

Labcorp Genetics (formerly Invitae), Labcorp
Classification: Likely benign. Last evaluated: 2024-03-25. Review status: criteria provided, single submitter. Criteria: Invitae Variant Classification Sherloc (09022015). Collection method: clinical testing. Allele origin: germline.

GeneDx
Classification: Uncertain significance. Last evaluated: 2022-10-18. Review status: criteria provided, single submitter. Criteria: GeneDx Variant Classification Process June 2021. Collection method: clinical testing. Allele origin: germline. Affected: yes.
Comment: Has not been previously published as pathogenic or benign to our knowledge; In silico analysis supports that this missense variant does not alter protein structure/function